The following is an entry in ClinVar:

NM_001365999.1(SZT2):c.6877+5G>A

Gene: SZT2 (SZT2 subunit of KICSTOR complex; plus strand). Cytogenetic location: 1p34.2.
Variant type: single nucleotide variant.
Coding change: c.6877+5G>A on transcript NM_001365999.1 (MANE Select); 5 bases into the intron after coding-DNA position 6877, G replaced by A.
Molecular consequence: intron variant.
Genome position (GRCh38, 1-based): chr1:43,439,447, G>A. VCF-style: chr1-43439447-G-A. GRCh37 (hg19) VCF-style: chr1-43905118-G-A.
Other names: c.6706+5G>A (NM_015284.4).
Identifiers: ClinVar variation 663444 (VCV000663444.10), dbSNP rs780792275, ClinGen allele CA810040.
Genomic context (GRCh38, chr1:43,439,447, plus strand): 5'-TGACTTGGACATCTACTTGTATAACAAGCCTGGTGGACAGGGCACTGGGGGCAAAGGTAC[G>A]GTGCAGGGCACGGGCCTGTGGCACCACCAGGTGAGGGAAAGCCTTTTGTCATCCTATTGC-3'

ClinVar aggregate classification (germline): Uncertain significance. Review status: criteria provided, multiple submitters, no conflicts (2 of 4 stars). 3 submissions from 3 submitters: Uncertain significance (3). Last evaluated 2023-08-21.

Conditions:
Developmental and epileptic encephalopathy, 18 (DEE18). Also called: Early infantile epileptic encephalopathy 18. Identifiers: Orphanet 369894, MedGen C3809624, MONDO:0014201, OMIM 615476.

Allele frequency attached by ClinVar (database versions not stated): gnomAD exomes below 0.00001 and 0.00001; ExAC 0.00001; gnomAD 0.00001; TOPMed 0.00001.
gnomAD v4.1: 6 of 1,608,414 alleles (0.00037%); highest among the groups gnomAD compares: African/African-American, 0.0013%; no homozygotes.

Submissions (3):

GeneDx
Classification: Uncertain significance. Last evaluated: 2023-08-21. Review status: criteria provided, single submitter. Criteria: GeneDx Variant Classification Process June 2021. Collection method: clinical testing. Allele origin: germline. Affected: yes.
Comment: Not observed at significant frequency in large population cohorts (gnomAD); Has not been previously published as pathogenic or benign to our knowledge; In silico analysis is inconclusive as to whether the variant alters gene splicing. In the absence of RNA/functional studies, the actual effect of this sequence change is unknown.

Genome-Nilou Lab
Classification: Uncertain significance for Developmental and epileptic encephalopathy, 18. Last evaluated: 2023-04-11. Review status: criteria provided, single submitter. Criteria: ACMG Guidelines, 2015. Collection method: clinical testing. Allele origin: germline. Affected: no.

Labcorp Genetics (formerly Invitae), Labcorp
Classification: Uncertain significance. Last evaluated: 2022-06-13. Review status: criteria provided, single submitter. Criteria: Invitae Variant Classification Sherloc (09022015). Collection method: clinical testing. Allele origin: germline.
Comment: In summary, the available evidence is currently insufficient to determine the role of this variant in disease. Therefore, it has been classified as a Variant of Uncertain Significance. Variants that disrupt the consensus splice site are a relatively common cause of aberrant splicing (PMID: 17576681, 9536098). Algorithms developed to predict the effect of sequence changes on RNA splicing suggest that this variant may disrupt the consensus splice site. ClinVar contains an entry for this variant (Variation ID: 663444). This variant has not been reported in the literature in individuals affected with SZT2-related conditions. This variant is present in population databases (rs780792275, gnomAD 0.006%). This sequence change falls in intron 48 of the SZT2 gene. It does not directly change the encoded amino acid sequence of the SZT2 protein. It affects a nucleotide within the consensus splice site.

Literature cited by the submitters: PubMed 17576681 (cited by Labcorp Genetics (formerly Invitae), Labcorp); PubMed 9536098 (cited by Labcorp Genetics (formerly Invitae), Labcorp).